The following is an entry in ClinVar:

ClinVar aggregate classification (germline): Conflicting classifications of pathogenicity. Review status: criteria provided, conflicting classifications (1 of 4 stars). 4 submissions from 4 submitters: Uncertain significance (2); Likely benign (2). Last evaluated 2025-03-04.

Conditions:
Hereditary cancer-predisposing syndrome. Also called: Neoplastic Syndromes, Hereditary; Tumor predisposition; Hereditary Cancer Syndrome; Hereditary neoplastic syndrome. Identifiers: Orphanet 140162, MedGen C0027672, MeSH D009386, MONDO:0015356.
Hereditary breast ovarian cancer syndrome. Also called: Hereditary breast and ovarian cancer syndrome; Breast and ovarian cancer; Hereditary breast and/or ovarian cancer syndrome; Hereditary breast and ovarian cancer; BRCA1- and BRCA2-Associated Hereditary Breast and Ovarian Cancer; Hereditary breast and ovarian cancer syndrome (HBOC). Identifiers: Orphanet 145, MedGen C0677776, MeSH D061325, MONDO:0003582. Disease mechanism: loss of function.

Submissions (4):

Center for Genomic Medicine, Rigshospitalet, Copenhagen University Hospital
Classification: Likely benign. Last evaluated: 2025-03-04. Review status: criteria provided, single submitter. Criteria: ACMG Guidelines, 2015. Collection method: clinical testing. Allele origin: germline.

Labcorp Genetics (formerly Invitae), Labcorp
Classification: Uncertain significance for Hereditary breast ovarian cancer syndrome. Last evaluated: 2024-01-28. Review status: criteria provided, single submitter. Criteria: Invitae Variant Classification Sherloc (09022015). Collection method: clinical testing. Allele origin: germline.
Comment: This sequence change replaces glutamic acid, which is acidic and polar, with lysine, which is basic and polar, at codon 1318 of the BRCA2 protein (p.Glu1318Lys). This variant is not present in population databases (gnomAD no frequency). This variant has not been reported in the literature in individuals affected with BRCA2-related conditions. ClinVar contains an entry for this variant (Variation ID: 1736451). Advanced modeling of protein sequence and biophysical properties (such as structural, functional, and spatial information, amino acid conservation, physicochemical variation, residue mobility, and thermodynamic stability) performed at Invitae indicates that this missense variant is not expected to disrupt BRCA2 protein function with a negative predictive value of 95%. In summary, the available evidence is currently insufficient to determine the role of this variant in disease. Therefore, it has been classified as a Variant of Uncertain Significance.

University of Washington Department of Laboratory Medicine, University of Washington
Classification: Likely benign for Hereditary cancer-predisposing syndrome. Last evaluated: 2023-03-23. Review status: criteria provided, single submitter. Criteria: Dines et al. (Genet Med. 2020). Collection method: curation. Allele origin: germline.
Comment: Missense variant in a coldspot region where missense variants are very unlikely to be pathogenic (PMID:31911673).

BRCA2 exon 11 coldspot. Reclassification based on statistical prior probability.

Ambry Genetics
Classification: Uncertain significance for Hereditary cancer-predisposing syndrome. Last evaluated: 2022-10-07. Review status: criteria provided, single submitter. Criteria: Ambry Variant Classification Scheme 2023. Collection method: clinical testing. Allele origin: germline.
Comment: The p.E1318K variant (also known as c.3952G>A), located in coding exon 10 of the BRCA2 gene, results from a G to A substitution at nucleotide position 3952. The glutamic acid at codon 1318 is replaced by lysine, an amino acid with similar properties. This amino acid position is not well conserved in available vertebrate species. In addition, this alteration is predicted to be tolerated by in silico analysis. Since supporting evidence is limited at this time, the clinical significance of this alteration remains unclear.

NM_000059.4(BRCA2):c.3952G>A (p.Glu1318Lys)

Gene: BRCA2 (BRCA2 DNA repair associated; plus strand). Cytogenetic location: 13q13.1.
Variant type: single nucleotide variant.
Coding change: c.3952G>A on transcript NM_000059.4 (MANE Select); coding-DNA position 3952, G replaced by A.
Protein change: p.Glu1318Lys; replaces glutamic acid 1318 with lysine.
Molecular consequence: missense variant.
Genome position (GRCh38, 1-based): chr13:32,338,307, G>A. VCF-style: chr13-32338307-G-A. GRCh37 (hg19) VCF-style: chr13-32912444-G-A.
Other names: c.3952G>A, p.Glu1318Lys (NM_001406719.1, NM_001406720.1); short protein forms E1318K.
Identifiers: ClinVar variation 1736451 (VCV001736451.9), dbSNP rs2137501500, ClinGen allele CA387778893.